The following is an entry in ClinVar:

ClinVar aggregate classification (germline): Benign. Review status: criteria provided, multiple submitters, no conflicts (2 of 4 stars). 3 submissions from 3 submitters: Benign (3). Last evaluated 2016-09-15.

Allele frequency attached by ClinVar (database versions not stated): gnomAD exomes 0.00052 and 0.02215; ExAC 0.00062; gnomAD 0.00005.

Submissions (3):

Eurofins Ntd Llc (ga)
Classification: Benign. Last evaluated: 2016-09-15. Review status: criteria provided, single submitter. Criteria: EGL Classification Definitions 2015. Collection method: clinical testing. Allele origin: germline. Observed: 4 variant alleles, 4 heterozygotes.

GeneDx
Classification: Benign. Last evaluated: 2014-01-30. Review status: criteria provided, single submitter. Criteria: GeneDx Variant Classification (06012015). Collection method: clinical testing. Allele origin: germline. Affected: yes.
Comment: This variant is considered likely benign or benign based on one or more of the following criteria: it is a conservative change, it occurs at a poorly conserved position in the protein, it is predicted to be benign by multiple in silico algorithms, and/or has population frequency not consistent with disease.

Breakthrough Genomics
Classification: Benign. Review status: criteria provided, single submitter. Criteria: ACMG Guidelines, 2015. Collection method: not provided. Allele origin: germline. Inheritance: Unknown mechanism. Affected: yes.

NM_001278182.2(EOMES):c.359C>G (p.Ala120Gly)

Genes: EOMES (eomesodermin; minus strand), LOC129936390 (ATAC-STARR-seq lymphoblastoid silent region 14153; plus strand). Cytogenetic location: 3p24.1.
Variant type: single nucleotide variant.
Coding change: c.359C>G on transcript NM_001278182.2 (MANE Select); coding-DNA position 359, C replaced by G.
Protein change: p.Ala120Gly; replaces alanine 120 with glycine.
Molecular consequence: missense variant. On other transcripts: intron variant (1).
Genome position (GRCh38, 1-based): chr3:27,721,936, G>C on the plus strand (C>G on the coding strand, the complement: EOMES is on the minus strand). VCF-style: chr3-27721936-G-C. GRCh37 (hg19) VCF-style: chr3-27763427-G-C.
Other names: p.A120G:GCC>GGC; c.359C>G, p.Ala120Gly (NM_005442.4); c.-5+494C>G (NM_001278183.2); short protein forms A120G.
Identifiers: ClinVar variation 137212 (VCV000137212.6), dbSNP rs1874198, ClinGen allele CA290741.
Genomic context (GRCh38, chr3:27,721,936, plus strand): 5'-CTCAGGCTGTCCATGGAGTAGCGCGCAGTGGCCGCAGCCGCGGCGGCGGCGGCGGCGGCG[G>C]CTGCAGCGGCGGAGGGCAGCTCCTCCTCCCCGCAGGGGGAGCCCTTGCGGCCGTCCGGGG-3'
Protein context (NP_001265111.1, residues 110-130): GEEELPSAAA[Ala120Gly]AAAAAAAAAA